The following is an entry in ClinVar:

NM_001042492.3(NF1):c.3268G>C (p.Gly1090Arg)

Gene: NF1 (neurofibromin 1; plus strand). Cytogenetic location: 17q11.2.
Variant type: single nucleotide variant.
Coding change: c.3268G>C on transcript NM_001042492.3 (MANE Select); coding-DNA position 3268, G replaced by C.
Protein change: p.Gly1090Arg; replaces glycine 1090 with arginine.
Molecular consequence: missense variant.
Genome position (GRCh38, 1-based): chr17:31,232,143, G>C. VCF-style: chr17-31232143-G-C. GRCh37 (hg19) VCF-style: chr17-29559161-G-C.
Other names: c.3268G>C, p.Gly1090Arg (NM_000267.4); short protein forms G1090R.
Identifiers: ClinVar variation 5025545 (VCV005025545.1).

ClinVar aggregate classification (germline): Uncertain significance (1 of 4 stars; one submission).

Conditions:
Cardiovascular phenotype. Identifiers: MedGen CN230736.
Hereditary cancer-predisposing syndrome. Also called: Neoplastic Syndromes, Hereditary; Tumor predisposition; Hereditary neoplastic syndrome; Hereditary Cancer Syndrome. Identifiers: Orphanet 140162, MedGen C0027672, MeSH D009386, MONDO:0015356.

Submission:

Ambry Genetics
Classification: Uncertain significance for Cardiovascular phenotype; Hereditary cancer-predisposing syndrome. Last evaluated: 2026-06-26. Review status: criteria provided, single submitter. Criteria: Ambry Variant Classification Scheme 2023. Collection method: clinical testing. Allele origin: germline.
Comment: The p.G1090R variant (also known as c.3268G>C), located in coding exon 25 of the NF1 gene, results from a G to C substitution at nucleotide position 3268. The glycine at codon 1090 is replaced by arginine, an amino acid with dissimilar properties. This amino acid position is conserved. In addition, the in silico prediction for this alteration is inconclusive. Based on the available evidence, the clinical significance of this variant remains unclear.